The following is an entry in ClinVar:

NM_000038.6(APC):c.5189C>T (p.Ser1730Phe)

Gene: APC (APC regulator of Wnt signaling pathway; plus strand). Cytogenetic location: 5q22.2.
Variant type: single nucleotide variant.
Coding change: c.5189C>T on transcript NM_000038.6 (MANE Select); coding-DNA position 5189, C replaced by T.
Protein change: p.Ser1730Phe; replaces serine 1730 with phenylalanine.
Molecular consequence: missense variant.
Genome position (GRCh38, 1-based): chr5:112,840,783, C>T. VCF-style: chr5-112840783-C-T. GRCh37 (hg19) VCF-style: chr5-112176480-C-T.
Other names: c.5189C>T, p.Ser1730Phe (NM_001127510.3, NM_001354895.2); c.5135C>T, p.Ser1712Phe (NM_001127511.3); c.5243C>T, p.Ser1748Phe (NM_001354896.2); c.5219C>T, p.Ser1740Phe (NM_001354897.2); c.5114C>T, p.Ser1705Phe (NM_001354898.2); c.5105C>T, p.Ser1702Phe (NM_001354899.2); c.5066C>T, p.Ser1689Phe (NM_001354900.2); c.5012C>T, p.Ser1671Phe (NM_001354901.2); and 5 more; short protein forms S1712F, S1730F, S1570F, S1629F, S1447F, S1671F, S1689F, S1639F.
Identifiers: ClinVar variation 219793 (VCV000219793.25), dbSNP rs864622256, ClinGen allele CA348937.
Genomic context (GRCh38, chr5:112,840,783, plus strand): 5'-TACCTGAATTGGATGACAATAAAGCAGAGGAAGGTGATATTCTTGCAGAATGCATTAATT[C>T]TGCTATGCCCAAAGGGAAAAGTCACAAGCCTTTCCGTGTGAAAAAGATAATGGACCAGGT-3'
Protein context (NP_000029.2, residues 1720-1740): EGDILAECIN[Ser1730Phe]AMPKGKSHKP

ClinVar aggregate classification (germline): Conflicting classifications of pathogenicity. Review status: criteria provided, conflicting classifications (1 of 4 stars). 6 submissions from 6 submitters: Uncertain significance (5); Likely benign (1). Last evaluated 2025-12-18.

Conditions:
Familial adenomatous polyposis 1 (FAP1). Also called: POLYPOSIS, ADENOMATOUS INTESTINAL; FAMILIAL ADENOMATOUS POLYPOSIS 1, ATTENUATED. Identifiers: MedGen C2713442, MONDO:0021056, OMIM 175100. Disease mechanism: loss of function.
Hereditary cancer-predisposing syndrome. Also called: Tumor predisposition; Hereditary neoplastic syndrome; Hereditary Cancer Syndrome; Neoplastic Syndromes, Hereditary. Identifiers: Orphanet 140162, MedGen C0027672, MeSH D009386, MONDO:0015356.

Allele frequency attached by ClinVar (database versions not stated): gnomAD 0.00001; gnomAD exomes below 0.00001; TOPMed 0.00001.
gnomAD v4.1: 8 of 1,613,884 alleles (0.0005%); highest among the groups gnomAD compares: African/African-American, 0.0027%; no homozygotes.

Submissions (6):

Ambry Genetics
Classification: Likely benign for Hereditary cancer-predisposing syndrome. Last evaluated: 2025-12-18. Review status: criteria provided, single submitter. Criteria: Ambry Variant Classification Scheme 2023. Collection method: clinical testing. Allele origin: germline.

Labcorp Genetics (formerly Invitae), Labcorp
Classification: Uncertain significance for Familial adenomatous polyposis 1. Last evaluated: 2024-12-12. Review status: criteria provided, single submitter. Criteria: Invitae Variant Classification Sherloc (09022015). Collection method: clinical testing. Allele origin: germline.
Comment: This sequence change replaces serine, which is neutral and polar, with phenylalanine, which is neutral and non-polar, at codon 1730 of the APC protein (p.Ser1730Phe). This variant is present in population databases (no rsID available, gnomAD 0.0009%). This variant has not been reported in the literature in individuals affected with APC-related conditions. ClinVar contains an entry for this variant (Variation ID: 219793). Invitae Evidence Modeling of protein sequence and biophysical properties (such as structural, functional, and spatial information, amino acid conservation, physicochemical variation, residue mobility, and thermodynamic stability) indicates that this missense variant is not expected to disrupt APC protein function with a negative predictive value of 95%. In summary, the available evidence is currently insufficient to determine the role of this variant in disease. Therefore, it has been classified as a Variant of Uncertain Significance.

Color Diagnostics, LLC DBA Color Health
Classification: Uncertain significance for Hereditary cancer-predisposing syndrome. Last evaluated: 2024-06-24. Review status: criteria provided, single submitter. Criteria: ACMG Guidelines, 2015. Collection method: clinical testing. Allele origin: germline.
Comment: This missense variant replaces serine with phenylalanine at codon 1730 of the APC protein. Computational prediction suggests that this variant may have deleterious impact on protein structure and function (internally defined REVEL score threshold >= 0.7, PMID: 27666373). To our knowledge, functional studies have not been reported for this variant. This variant has not been reported in individuals affected with APC-related disorders in the literature, but has been found in one health control individual (PMID 18199528). This variant has been identified in 1/250488 chromosomes in the general population by the Genome Aggregation Database (gnomAD). The available evidence is insufficient to determine the role of this variant in disease conclusively. Therefore, this variant is classified as a Variant of Uncertain Significance.

Baylor Genetics
Classification: Uncertain significance for Familial adenomatous polyposis 1. Last evaluated: 2023-08-31. Review status: criteria provided, single submitter. Criteria: ACMG Guidelines, 2015. Collection method: clinical testing. Allele origin: unknown.

Sema4
Classification: Uncertain significance for Hereditary cancer-predisposing syndrome. Last evaluated: 2022-03-04. Review status: criteria provided, single submitter. Criteria: Sema4 Curation Guidelines. Collection method: curation. Allele origin: germline.
Comment: To the best of our knowledge, the APC c.5189C>T (p.S1730F) variant has not been reported in individuals with APC-related disease but was found in a gastric tumor tissue of an individual; however, it is unknown whether the variant was germline because the normal tissue from this individual was not tested (PMID: 30239046). It was observed in 1/112958 chromosomes of the non-Finnish European subpopulation in the Genome Aggregation Database (PMID: 32461654). The variant has been reported in ClinVar (Variation ID 219793). In silico tools suggest that the impact of the variant on protein function is deleterious, though these predictions have not been confirmed by functional studies. The evidence is insufficient to meet ACMG/AMP criteria for classifying the variant as benign or pathogenic. Thus, the clinical significance of this variant is currently uncertain.

GeneDx
Classification: Uncertain significance. Last evaluated: 2018-08-09. Review status: criteria provided, single submitter. Criteria: GeneDx Variant Classification (06012015). Collection method: clinical testing. Allele origin: germline. Affected: yes.
Comment: This variant is denoted APC c.5189C>T at the cDNA level, p.Ser1730Phe (S1730F) at the protein level, and results in the change of a Serine to a Phenylalanine (TCT>TTT). This variant was observed in at least one reportedly healthy individual (Azzopardi 2008). APC Ser1730Phe was not observed at a significant allele frequency in large population cohorts (Lek 2016). APC Ser1730Phe is located within the Beta-catenin down-regulating domain and the SAMP repeats/axin binding domain (Azzopardi 2008). In-silico analysis, which includes protein predictors and evolutionary conservation, supports that this variant does not alter protein structure/function. Based on currently available information, it is unclear whether APC Ser1730Phe is pathogenic or benign. We consider it to be a variant of uncertain significance.

Literature cited by the submitters: PubMed 18199528 (cited by Ambry Genetics and Color Diagnostics, LLC DBA Color Health); PubMed 30239046 (cited by Sema4).